The following is an entry in ClinVar:

NM_176810.2(NLRP13):c.927T>A (p.Ile309=)

Gene: NLRP13 (NLR family pyrin domain containing 13; minus strand). Cytogenetic location: 19q13.43.
Variant type: single nucleotide variant.
Coding change: c.927T>A on transcript NM_176810.2 (MANE Select); coding-DNA position 927, T replaced by A.
Protein change: p.Ile309=; no amino-acid change (isoleucine 309 retained).
Molecular consequence: synonymous variant.
Genome position (GRCh38, 1-based): chr19:55,912,890, A>T on the plus strand (T>A on the coding strand, the complement: NLRP13 is on the minus strand). VCF-style: chr19-55912890-A-T. GRCh37 (hg19) VCF-style: chr19-56424256-A-T.
Other names: c.927T>A, p.Ile309= (NM_001321057.1).
Identifiers: ClinVar variation 4823294 (VCV004823294.4).

ClinVar aggregate classification (germline): Likely benign (1 of 4 stars; one submission).

Submission:

CeGaT Center for Human Genetics Tuebingen
Classification: Likely benign. Last evaluated: 2026-02-01. Review status: criteria provided, single submitter. Criteria: CeGaT Center For Human Genetics Tuebingen Variant Classification Criteria Version 2. Collection method: clinical testing. Allele origin: germline. Affected: yes. Observed: 1 variant allele.
Comment: NLRP13: PM2:Supporting, BP4, BP7